The following is an entry in ClinVar:

NM_001374353.1(GLI2):c.3567del (p.Gln1189fs)

Gene: GLI2 (GLI family zinc finger 2; plus strand). Cytogenetic location: 2q14.2.
Variant type: Deletion.
Coding change: c.3567del on transcript NM_001374353.1 (MANE Select); coding-DNA position 3567, one base deleted (G; older notation c.3567delG).
Protein change: p.Gln1189fs; shifts the reading frame from glutamine 1189.
Molecular consequence: frameshift variant.
Genome position (GRCh38, 1-based): chr2:120,989,532, G deleted. VCF-style (leftmost placement, unchanged base first): chr2-120989531-AG-A. GRCh37 (hg19) VCF-style: chr2-121747107-AG-A.
Other names: c.3618del, p.Gln1206fs (NM_001371271.1, NM_005270.5); c.3192del, p.Gln1064fs (NM_001374354.1); short protein forms Q1064fs, Q1189fs, Q1206fs.
Identifiers: ClinVar variation 863253 (VCV000863253.9), dbSNP rs1683179008, ClinGen allele CA916082203.
Genomic context (GRCh38, chr2:120,989,531, plus strand): 5'-ACAGTCCGCAAGGCCTACAGGCTAGCCCTGGGGGCCTGGACAGCACGCAGCCACACCTGC[AG>A]CCCCGCAGCGGAGCCCCCTCCCAGGGCATCCCCAGGGTAAACTACATGCAGCAGCTGCGA-3'

ClinVar aggregate classification (germline): Pathogenic (1 of 4 stars; one submission).

Conditions:
Holoprosencephaly 9 (HPE9). Also called: HOLOPROSENCEPHALY WITH MICROPHTHALMIA AND FIRST BRANCHIAL ARCH ANOMALIES; PITUITARY ANOMALIES WITH HOLOPROSENCEPHALY-LIKE FEATURES. Identifiers: Orphanet 2162, MedGen C1835819, MONDO:0012563, OMIM 610829.
Postaxial polydactyly-anterior pituitary anomalies-facial dysmorphism syndrome. Also called: Culler-Jones syndrome. Identifiers: Orphanet 420584, MedGen C4014479, MONDO:0014369, OMIM 615849.

Submission:

Labcorp Genetics (formerly Invitae), Labcorp
Classification: Pathogenic for Postaxial polydactyly-anterior pituitary anomalies-facial dysmorphism syndrome; Holoprosencephaly 9. Last evaluated: 2019-12-31. Review status: criteria provided, single submitter. Criteria: Invitae Variant Classification Sherloc (09022015). Collection method: clinical testing. Allele origin: germline.
Comment: For these reasons, this variant has been classified as Pathogenic. This variant disrupts the C-terminus of the GLI2 protein. Other variant(s) that disrupt this region (p.Arg1226*) have been determined to be pathogenic (PMID: 29876959). This suggests that variants that disrupt this region of the protein are likely to be causative of disease. This variant has not been reported in the literature in individuals with GLI2-related conditions. This variant is not present in population databases (ExAC no frequency). This sequence change results in a premature translational stop signal in the GLI2 gene (p.Gln1206Hisfs*14). While this is not anticipated to result in nonsense mediated decay, it is expected to disrupt the last 381 amino acids of the GLI2 protein.

Literature cited by the submitters: PubMed 29876959.